The following is an entry in ClinVar:

NM_052874.5(STX1B):c.268T>G (p.Ser90Ala)

Gene: STX1B (syntaxin 1B; minus strand). Cytogenetic location: 16p11.2.
Variant type: single nucleotide variant.
Coding change: c.268T>G on transcript NM_052874.5 (MANE Select); coding-DNA position 268, T replaced by G.
Protein change: p.Ser90Ala; replaces serine 90 with alanine.
Molecular consequence: missense variant.
Genome position (GRCh38, 1-based): chr16:31,000,940, A>C on the plus strand (T>G on the coding strand, the complement: STX1B is on the minus strand). VCF-style: chr16-31000940-A-C. GRCh37 (hg19) VCF-style: chr16-31012261-A-C.
Other names: short protein forms S90A.
Identifiers: ClinVar variation 957500 (VCV000957500.9), dbSNP rs2056624297, ClinGen allele CA395650941.
Genomic context (GRCh38, chr16:31,000,940, plus strand): 5'-TCCACCCACAATTCTTTTCCTTCCTGGTTGAGGGATTGTACTCCTCACCTTTCAATTTGG[A>C]CCGAACCTTGTTGGCCGTCTTCTTGATGTCTGCAGTGAGATCCTCCAGCTCCTGTTTGGT-3'
Protein context (NP_443106.1, residues 80-100): DIKKTANKVR[Ser90Ala]KLKAIEQSIE

ClinVar aggregate classification (germline): Uncertain significance (1 of 4 stars; one submission).

Conditions:
Generalized epilepsy with febrile seizures plus, type 9 (GEFSP9). Also called: GEFS+, TYPE 9. Identifiers: Orphanet 36387, MedGen C4015395, MONDO:0014517, OMIM 616172.

Submission:

Labcorp Genetics (formerly Invitae), Labcorp
Classification: Uncertain significance for Generalized epilepsy with febrile seizures plus, type 9. Last evaluated: 2019-08-03. Review status: criteria provided, single submitter. Criteria: Invitae Variant Classification Sherloc (09022015). Collection method: clinical testing. Allele origin: germline.
Comment: In summary, the available evidence is currently insufficient to determine the role of this variant in disease. Therefore, it has been classified as a Variant of Uncertain Significance. Algorithms developed to predict the effect of missense changes on protein structure and function (SIFT, PolyPhen-2, Align-GVGD) all suggest that this variant is likely to be tolerated, but these predictions have not been confirmed by published functional studies and their clinical significance is uncertain. This variant has not been reported in the literature in individuals with STX1B-related conditions. This variant is not present in population databases (ExAC no frequency). This sequence change replaces serine with alanine at codon 90 of the STX1B protein (p.Ser90Ala). The serine residue is moderately conserved and there is a moderate physicochemical difference between serine and alanine.